The following is an entry in ClinVar:

NM_007078.3(LDB3):c.1978+284G>T

Gene: LDB3 (LIM domain binding 3; plus strand). Cytogenetic location: 10q23.2.
Variant type: single nucleotide variant.
Coding change: c.1978+284G>T on transcript NM_007078.3 (MANE Select); 284 bases into the intron after coding-DNA position 1978, G replaced by T.
Molecular consequence: intron variant.
Genome position (GRCh38, 1-based): chr10:86,719,131, G>T. VCF-style: chr10-86719131-G-T. GRCh37 (hg19) VCF-style: chr10-88478888-G-T.
Other names: c.1789+284G>T (NM_001368064.1, NM_001368065.1); c.1993+284G>T (NM_001171610.2); c.1837+284G>T (NM_001368066.1); c.1648+284G>T (NM_001080114.2).
Identifiers: ClinVar variation 669541 (VCV000669541.1), dbSNP rs12219069, ClinGen allele CA16397091.

ClinVar aggregate classification (germline): Benign (1 of 4 stars; one submission).

Allele frequency attached by ClinVar (database versions not stated): gnomAD 0.03659 and 0.03740; TOPMed 0.04174; 1000 Genomes Project 0.05092; 1000 Genomes Project 30x 0.05231.
gnomAD v4.1: 5,656 of 152,198 alleles (3.7%); highest among the groups gnomAD compares: African/African-American, 8.8%; 199 homozygotes.

Submission:

GeneDx
Classification: Benign. Last evaluated: 2018-06-14. Review status: criteria provided, single submitter. Criteria: GeneDx Variant Classification (06012015). Collection method: clinical testing. Allele origin: germline. Affected: yes.
Comment: This variant is considered likely benign or benign based on one or more of the following criteria: it is a conservative change, it occurs at a poorly conserved position in the protein, it is predicted to be benign by multiple in silico algorithms, and/or has population frequency not consistent with disease.